The following is an entry in ClinVar:

ClinVar aggregate classification (germline): Uncertain significance (1 of 4 stars; one submission).

Submission:

Ambry Genetics
Classification: Uncertain significance. Last evaluated: 2025-04-17. Review status: criteria provided, single submitter. Criteria: Ambry Variant Classification Scheme 2023. Collection method: clinical testing. Allele origin: germline.
Comment: The p.L151M variant (also known as c.451C>A) is located in coding exon 4 of the RNF43 gene. The leucine at codon 151 is replaced by methionine, an amino acid with highly similar properties. This change occurs in the first base pair of coding exon 4. This amino acid position is conserved. In addition, this alteration is predicted to be tolerated by in silico analysis. Based on the available evidence, the clinical significance of this variant remains unclear.

NM_017763.6(RNF43):c.451C>A (p.Leu151Met)

Gene: RNF43 (ring finger protein 43; minus strand). Cytogenetic location: 17q22.
Variant type: single nucleotide variant.
Coding change: c.451C>A on transcript NM_017763.6 (MANE Select); coding-DNA position 451, C replaced by A.
Protein change: p.Leu151Met; replaces leucine 151 with methionine.
Molecular consequence: missense variant.
Genome position (GRCh38, 1-based): chr17:58,363,406, G>T on the plus strand (C>A on the coding strand, the complement: RNF43 is on the minus strand). VCF-style: chr17-58363406-G-T. GRCh37 (hg19) VCF-style: chr17-56440767-G-T.
Other names: c.451C>A, p.Leu151Met (NM_001305544.3); c.70C>A, p.Leu24Met (NM_001305545.2); short protein forms L24M, L151M.
Identifiers: ClinVar variation 3946859 (VCV003946859.1).